The following is an entry in ClinVar:

NM_182961.4(SYNE1):c.23245A>G (p.Ile7749Val)

Gene: SYNE1 (spectrin repeat containing nuclear envelope protein 1; minus strand). Cytogenetic location: 6q25.2.
Variant type: single nucleotide variant.
Coding change: c.23245A>G on transcript NM_182961.4 (MANE Select); coding-DNA position 23245, A replaced by G.
Protein change: p.Ile7749Val; replaces isoleucine 7749 with valine.
Molecular consequence: missense variant.
Genome position (GRCh38, 1-based): chr6:152,189,308, T>C on the plus strand (A>G on the coding strand, the complement: SYNE1 is on the minus strand). VCF-style: chr6-152189308-T-C. GRCh37 (hg19) VCF-style: chr6-152510443-T-C.
Other names: c.23032A>G, p.Ile7678Val (NM_033071.5); short protein forms I7678V, I7749V.
Identifiers: ClinVar variation 1807187 (VCV001807187.6), dbSNP rs1440661504, ClinGen allele CA366094144.

ClinVar aggregate classification (germline): Uncertain significance. Review status: criteria provided, multiple submitters, no conflicts (2 of 4 stars). 2 submissions from 2 submitters: Uncertain significance (2). Last evaluated 2025-08-15.

Conditions:
Emery-Dreifuss muscular dystrophy 4, autosomal dominant (EDMD4). Also called: EMERY-DREIFUSS MUSCULAR DYSTROPHY 4 WITH VARIABLE FEATURES. Identifiers: Orphanet 261, MedGen C2751807, MONDO:0013071, OMIM 612998.
Autosomal recessive ataxia, Beauce type. Also called: SYNE1-Related Autosomal Recessive Cerebellar Ataxia; SYNE1 Deficiency; Spinocerebellar ataxia, autosomal recessive 8; ATAXIA, RECESSIVE, OF BEAUCE. Identifiers: Orphanet 88644, MedGen C1853116, MONDO:0012549, OMIM 610743.

Allele frequency attached by ClinVar (database versions not stated): gnomAD exomes below 0.00001; gnomAD 0.00001; TOPMed 0.00001.
gnomAD v4.1: 3 of 1,613,974 alleles (0.00019%); highest among the groups gnomAD compares: African/African-American, 0.0013%; no homozygotes.

Submissions (2):

Labcorp Genetics (formerly Invitae), Labcorp
Classification: Uncertain significance for Emery-Dreifuss muscular dystrophy 4, autosomal dominant; Autosomal recessive ataxia, Beauce type. Last evaluated: 2025-08-15. Review status: criteria provided, single submitter. Criteria: Invitae Variant Classification Sherloc (09022015). Collection method: clinical testing. Allele origin: germline.
Comment: This sequence change replaces isoleucine, which is neutral and non-polar, with valine, which is neutral and non-polar, at codon 7678 of the SYNE1 protein (p.Ile7678Val). This variant is present in population databases (no rsID available, gnomAD 0.007%). This variant has not been reported in the literature in individuals affected with SYNE1-related conditions. ClinVar contains an entry for this variant (Variation ID: 1807187). An algorithm developed to predict the effect of missense changes on protein structure and function (PolyPhen-2) suggests that this variant is likely to be tolerated. In summary, the available evidence is currently insufficient to determine the role of this variant in disease. Therefore, it has been classified as a Variant of Uncertain Significance.

Athena Diagnostics
Classification: Uncertain significance. Last evaluated: 2022-01-17. Review status: criteria provided, single submitter. Criteria: Athena Diagnostics Criteria. Collection method: clinical testing. Allele origin: unknown.